The following is an entry in ClinVar:

NM_004104.5(FASN):c.6803C>T (p.Thr2268Ile)

Gene: FASN (fatty acid synthase; minus strand). Cytogenetic location: 17q25.3.
Variant type: single nucleotide variant.
Coding change: c.6803C>T on transcript NM_004104.5 (MANE Select); coding-DNA position 6803, C replaced by T.
Protein change: p.Thr2268Ile; replaces threonine 2268 with isoleucine.
Molecular consequence: missense variant.
Genome position (GRCh38, 1-based): chr17:82,080,715, G>A on the plus strand (C>T on the coding strand, the complement: FASN is on the minus strand). VCF-style: chr17-82080715-G-A. GRCh37 (hg19) VCF-style: chr17-80038591-G-A.
Other names: short protein forms T2268I.
Identifiers: ClinVar variation 1026830 (VCV001026830.8), dbSNP rs781371574, ClinGen allele CA401598522.
Genomic context (GRCh38, chr17:82,080,715, plus strand): 5'-CACTGACCACCGCTTCCAGAGGAGGGCCCGGGAGTACCTCGGGTGCACTGCAGGCCATAG[G>A]TGGGGATGCTGAGCCGGGAGGCCAGGCTGTGGAACACGGTGGTGGAGCCCTCGATTGGGT-3'
Protein context (NP_004095.4, residues 2258-2278): HSLASRLSIP[Thr2268Ile]YGLQCTRAAP

ClinVar aggregate classification (germline): Uncertain significance (1 of 4 stars; one submission).

Conditions:
Epileptic encephalopathy. Identifiers: MedGen C0543888, HP:0200134.

Submission:

Labcorp Genetics (formerly Invitae), Labcorp
Classification: Uncertain significance for Epileptic encephalopathy. Last evaluated: 2025-12-30. Review status: criteria provided, single submitter. Criteria: Invitae Variant Classification Sherloc (09022015). Collection method: clinical testing. Allele origin: germline.
Comment: This sequence change replaces threonine, which is neutral and polar, with isoleucine, which is neutral and non-polar, at codon 2268 of the FASN protein (p.Thr2268Ile). This variant is not present in population databases (gnomAD no frequency). This variant has not been reported in the literature in individuals affected with FASN-related conditions. ClinVar contains an entry for this variant (Variation ID: 1026830). An algorithm developed to predict the effect of missense changes on protein structure and function (PolyPhen-2) suggests that this variant is likely to be tolerated. In summary, the available evidence is currently insufficient to determine the role of this variant in disease. Therefore, it has been classified as a Variant of Uncertain Significance.